The following is an entry in ClinVar:

NM_199242.3(UNC13D):c.898G>A (p.Val300Met)

Gene: UNC13D (unc-13 homolog D; minus strand). Cytogenetic location: 17q25.1.
Variant type: single nucleotide variant.
Coding change: c.898G>A on transcript NM_199242.3 (MANE Select); coding-DNA position 898, G replaced by A.
Protein change: p.Val300Met; replaces valine 300 with methionine.
Molecular consequence: missense variant.
Genome position (GRCh38, 1-based): chr17:75,840,071, C>T on the plus strand (G>A on the coding strand, the complement: UNC13D is on the minus strand). VCF-style: chr17-75840071-C-T. GRCh37 (hg19) VCF-style: chr17-73836152-C-T.
Other names: short protein forms V300M.
Identifiers: ClinVar variation 653896 (VCV000653896.6), dbSNP rs141499220, ClinGen allele CA8773214.

ClinVar aggregate classification (germline): Uncertain significance. Review status: criteria provided, multiple submitters, no conflicts (2 of 4 stars). 3 submissions from 3 submitters: Uncertain significance (2). 1 of the submissions does not count toward it. Last evaluated 2023-01-18.

Conditions:
Familial hemophagocytic lymphohistiocytosis 3 (FHL3). Also called: UNC13D-Related Familial Hemophagocytic Lymphohistiocytosis (UNC13D-fHLH). Identifiers: Orphanet 540, MedGen C1837174, MONDO:0012146, OMIM 608898.

Allele frequency attached by ClinVar (database versions not stated): ExAC 0.00001; gnomAD exomes 0.00002; TOPMed 0.00003; gnomAD 0.00005; ESP Exome Variant Server 0.00008; 1000 Genomes Project 0.00020; 1000 Genomes Project 30x 0.00031.
gnomAD v4.1: 29 of 1,613,442 alleles (0.0018%); highest among the groups gnomAD compares: African/African-American, 0.011%; no homozygotes.

Submissions (3):

GeneDx
Classification: Uncertain significance. Last evaluated: 2023-01-18. Review status: criteria provided, single submitter. Criteria: GeneDx Variant Classification Process June 2021. Collection method: clinical testing. Allele origin: germline. Affected: yes.
Comment: In silico analysis supports that this missense variant does not alter protein structure/function; Has not been previously published as pathogenic or benign to our knowledge

Labcorp Genetics (formerly Invitae), Labcorp
Classification: Uncertain significance for Familial hemophagocytic lymphohistiocytosis 3. Last evaluated: 2022-08-23. Review status: criteria provided, single submitter. Criteria: Invitae Variant Classification Sherloc (09022015). Collection method: clinical testing. Allele origin: germline.
Comment: This sequence change replaces valine, which is neutral and non-polar, with methionine, which is neutral and non-polar, at codon 300 of the UNC13D protein (p.Val300Met). This variant is present in population databases (rs141499220, gnomAD 0.008%). This variant has not been reported in the literature in individuals affected with UNC13D-related conditions. ClinVar contains an entry for this variant (Variation ID: 653896). Algorithms developed to predict the effect of missense changes on protein structure and function are either unavailable or do not agree on the potential impact of this missense change (SIFT: "Not Available"; PolyPhen-2: "Benign"; Align-GVGD: "Not Available"). In summary, the available evidence is currently insufficient to determine the role of this variant in disease. Therefore, it has been classified as a Variant of Uncertain Significance.

Genetic Services Laboratory, University of Chicago
Classification: Uncertain significance. Last evaluated: 2022-06-20. Review status: no assertion criteria provided. Collection method: clinical testing. Allele origin: germline. Affected: no. Not counted in ClinVar's aggregate classification.
Comment: This sequence change, c.898G>A, in exon 11 results in an amino acid change, p.Val300Met. This sequence change does not appear to have been previously described in individuals with UNC13D-related disorders. This sequence change has been described in the gnomAD database with an overall frequency of 0.0021% (dbSNP rs141499220). The p.Val300Met change affects a moderately conserved amino acid residue located in a domain of the UNC13D protein that is not known to be functional. The p.Val300Met substitution appears to be benign using several in-silico pathogenicity prediction tools (SIFT, PolyPhen2, Align GVGD, REVEL). Due to insufficient evidences and the lack of functional studies, the clinical significance of the p.Val300Met change remains unknown at this time.